The following is an entry in ClinVar:

NM_001854.4(COL11A1):c.2935G>T (p.Gly979Cys)

Gene: COL11A1 (collagen type XI alpha 1 chain; minus strand). Cytogenetic location: 1p21.1.
Variant type: single nucleotide variant.
Coding change: c.2935G>T on transcript NM_001854.4 (MANE Select); coding-DNA position 2935, G replaced by T.
Protein change: p.Gly979Cys; replaces glycine 979 with cysteine.
Molecular consequence: missense variant. On other transcripts: non-coding transcript variant (1).
Genome position (GRCh38, 1-based): chr1:102,962,742, C>A on the plus strand (G>T on the coding strand, the complement: COL11A1 is on the minus strand). VCF-style: chr1-102962742-C-A. GRCh37 (hg19) VCF-style: chr1-103428298-C-A.
Other names: c.2818G>T, p.Gly940Cys (NM_001190709.2); c.2971G>T, p.Gly991Cys (NM_080629.3); c.2587G>T, p.Gly863Cys (NM_080630.4); short protein forms G863C, G979C, G991C, G940C.
Identifiers: ClinVar variation 4997897 (VCV004997897.1).

ClinVar aggregate classification (germline): Uncertain significance (1 of 4 stars; one submission).

Conditions:
COL11A1-related disorder. Also called: COL11A1-related condition; COL11A1-related disorders.

gnomAD v4.1: 3 of 1,614,076 alleles (0.00019%); highest among the groups gnomAD compares: Non-Finnish European, 0.00025%; no homozygotes.

Submission:

PreventionGenetics, part of Exact Sciences
Classification: Uncertain significance for COL11A1-related condition. Last evaluated: 2025-06-05. Review status: criteria provided, single submitter. Criteria: ACMG Guidelines, 2015. Collection method: clinical testing. Allele origin: germline.
Comment: The COL11A1 c.2935G>T variant is predicted to result in the amino acid substitution p.Gly979Cys. To our knowledge, this variant has not been reported in the literature or in a large population database (gnomAD), indicating this variant is rare. This variant affects a Gly residue of the conserved Gly-Xaa-Yaa triple helical domain (amino acid residues 529-1542), where substitutions of glycine are usually pathogenic (Richards et al. 2010. PubMed ID: 20513134). Although we suspect that this variant may be pathogenic, at this time, the clinical significance of this variant is uncertain due to the absence of conclusive functional and genetic evidence.